The following is an entry in ClinVar:

NM_022089.4(ATP13A2):c.3516G>A (p.Pro1172=)

Gene: ATP13A2 (ATPase cation transporting 13A2; minus strand). Cytogenetic location: 1p36.13.
Variant type: single nucleotide variant.
Coding change: c.3516G>A on transcript NM_022089.4 (MANE Select); coding-DNA position 3516, G replaced by A.
Protein change: p.Pro1172=; no amino-acid change (proline 1172 retained).
Molecular consequence: synonymous variant. On other transcripts: missense variant (1).
Genome position (GRCh38, 1-based): chr1:16,986,248, C>T on the plus strand (G>A on the coding strand, the complement: ATP13A2 is on the minus strand). VCF-style: chr1-16986248-C-T. GRCh37 (hg19) VCF-style: chr1-17312743-C-T.
Other names: c.3501G>A, p.Pro1167= (NM_001141973.3); c.3214G>A, p.Ala1072Thr (NM_001141974.3); short protein forms A1072T.
Identifiers: ClinVar variation 128475 (VCV000128475.37), dbSNP rs3170740, ClinGen allele CA151963.

ClinVar aggregate classification (germline): Benign. Review status: criteria provided, multiple submitters, no conflicts (2 of 4 stars). 18 submissions from 17 submitters: Benign (13). 5 of the submissions do not count toward it. Last evaluated 2026-02-04.

Conditions:
Autosomal recessive spastic paraplegia type 78. Identifiers: Orphanet 513436, MedGen C5567893, MONDO:0014975, OMIM 617225.
Inborn genetic diseases. Identifiers: MedGen C0950123, MeSH D030342.
Kufor-Rakeb syndrome (KRS). Also called: PARKINSON DISEASE 9, AUTOSOMAL RECESSIVE, JUVENILE-ONSET. Identifiers: Orphanet 306674, Orphanet 314632, MedGen C1847640, MONDO:0011706, OMIM 606693.

Allele frequency attached by ClinVar (database versions not stated): 1000 Genomes Project 0.33127; 1000 Genomes Project 30x 0.33526; TOPMed 0.39879; gnomAD 0.40860 and 0.41019; ESP Exome Variant Server 0.42132; gnomAD exomes 0.47031 and 0.50347; ExAC 0.50652.
gnomAD v4.1: 793,615 of 1,608,170 alleles (49%); highest among the groups gnomAD compares: Non-Finnish European, 53%; 201,659 homozygotes.

Submissions (18):

Labcorp Genetics (formerly Invitae), Labcorp
Classification: Benign for Kufor-Rakeb syndrome; Autosomal recessive spastic paraplegia type 78. Last evaluated: 2026-02-04. Review status: criteria provided, single submitter. Criteria: Invitae Variant Classification Sherloc (09022015). Collection method: clinical testing. Allele origin: germline.

Blueprint Genetics
Classification: Benign. Last evaluated: 2024-11-26. Review status: criteria provided, single submitter. Criteria: ACMG Guidelines, 2015. Collection method: clinical testing. Allele origin: germline.

Unidad de Genómica Garrahan, Hospital de Pediatría Garrahan
Classification: Benign. Last evaluated: 2024-07-15. Review status: criteria provided, single submitter. Criteria: ACMG Guidelines, 2015. Collection method: clinical testing. Allele origin: germline. Affected: no. Observed: 67 variant alleles.
Comment: This variant is classified as Benign based on local population frequency. This variant was detected in 72% of patients studied in a panel designed for Epileptic and Developmental Encephalopathy and Progressive Myoclonus Epilepsy. Number of patients: 67. Only high quality variants are reported.

Genome-Nilou Lab
Classification: Benign for Kufor-Rakeb syndrome. Last evaluated: 2021-07-14. Review status: criteria provided, single submitter. Criteria: ACMG Guidelines, 2015. Collection method: clinical testing. Allele origin: germline. Affected: no.

Genome-Nilou Lab
Classification: Benign for Autosomal recessive spastic paraplegia type 78. Last evaluated: 2021-07-14. Review status: criteria provided, single submitter. Criteria: ACMG Guidelines, 2015. Collection method: clinical testing. Allele origin: germline. Affected: no.

GeneDx
Classification: Benign. Last evaluated: 2018-07-05. Review status: criteria provided, single submitter. Criteria: GeneDx Variant Classification Process June 2021. Collection method: clinical testing. Allele origin: germline. Affected: yes.

Illumina Laboratory Services, Illumina
Classification: Benign for Kufor-Rakeb syndrome. Last evaluated: 2018-01-12. Review status: criteria provided, single submitter. Criteria: ICSL Variant Classification Criteria 13 December 2019. Collection method: clinical testing. Allele origin: germline.
Comment: This variant was observed in the ICSL laboratory as part of a predisposition screen in an ostensibly healthy population. It had not been previously curated by ICSL or reported in the Human Gene Mutation Database (HGMD: prior to June 1st, 2018), and was therefore a candidate for classification through an automated scoring system. Utilizing variant allele frequency, disease prevalence and penetrance estimates, and inheritance mode, an automated score was calculated to assess if this variant is too frequent to cause the disease. Based on the score and internal cut-off values, a variant classified as benign is not then subjected to further curation. The score for this variant resulted in a classification of benign for this disease.

Athena Diagnostics
Classification: Benign. Last evaluated: 2017-04-20. Review status: criteria provided, single submitter. Criteria: Athena Diagnostics Criteria. Collection method: clinical testing. Allele origin: germline.

Eurofins Ntd Llc (ga)
Classification: Benign. Last evaluated: 2016-02-13. Review status: criteria provided, single submitter. Criteria: EGL Classification Definitions 2015. Collection method: clinical testing. Allele origin: germline. Observed: 8 variant alleles, 7 heterozygotes, 1 homozygote.

Ambry Genetics
Classification: Benign for Inborn genetic diseases. Last evaluated: 2016-01-08. Review status: criteria provided, single submitter. Criteria: Ambry Variant Classification Scheme 2023. Collection method: clinical testing. Allele origin: germline.

Genetic Services Laboratory, University of Chicago
Classification: Benign for AllHighlyPenetrant. Last evaluated: 2013-08-15. Review status: criteria provided, single submitter. Criteria: ACMG Guidelines, 2007. Collection method: clinical testing. Allele origin: germline. Inheritance: Autosomal recessive inheritance.

Breakthrough Genomics
Classification: Benign. Review status: criteria provided, single submitter. Criteria: ACMG Guidelines, 2015. Collection method: not provided. Allele origin: germline. Inheritance: Autosomal recessive inheritance. Affected: yes.

PreventionGenetics, part of Exact Sciences
Classification: Benign. Review status: criteria provided, single submitter. Criteria: ACMG Guidelines, 2015. Collection method: clinical testing. Allele origin: germline.

Mayo Clinic Laboratories, Mayo Clinic
Classification: Benign. Last evaluated: 2015-10-22. Review status: no assertion criteria provided. Collection method: clinical testing. Allele origin: unknown. Not counted in ClinVar's aggregate classification.

Clinical Genetics DNA and cytogenetics Diagnostics Lab, Erasmus MC, Erasmus Medical Center
Classification: Benign. Review status: no assertion criteria provided. Collection method: clinical testing. Allele origin: germline. Affected: yes. Study: VKGL Data-share Consensus. Not counted in ClinVar's aggregate classification.

Diagnostic Laboratory, Department of Genetics, University Medical Center Groningen
Classification: Benign for Kufor-Rakeb syndrome. Review status: no assertion criteria provided. Collection method: clinical testing. Allele origin: germline. Affected: yes. Study: VKGL Data-share Consensus. Not counted in ClinVar's aggregate classification.

Genome Diagnostics Laboratory, Amsterdam University Medical Center
Classification: Benign. Review status: no assertion criteria provided. Collection method: clinical testing. Allele origin: germline. Affected: yes. Study: VKGL Data-share Consensus. Not counted in ClinVar's aggregate classification.

Joint Genome Diagnostic Labs from Nijmegen and Maastricht, Radboudumc and MUMC+
Classification: Benign. Review status: no assertion criteria provided. Collection method: clinical testing. Allele origin: germline. Affected: yes. Study: VKGL Data-share Consensus. Not counted in ClinVar's aggregate classification.